The following is an entry in ClinVar:

ClinVar aggregate classification (germline): Likely benign (0 of 4 stars; one submission).

Conditions:
MUC16-related disorder. Also called: MUC16-related condition.

Allele frequency attached by ClinVar (database versions not stated): 1000 Genomes Project 0.00200; 1000 Genomes Project 30x 0.00203; ESP Exome Variant Server 0.00270; TOPMed 0.00308; gnomAD 0.00352; gnomAD exomes 0.00416; ExAC 0.00426.

Submission:

PreventionGenetics, part of Exact Sciences
Classification: Likely benign for MUC16-related condition. Last evaluated: 2019-03-26. Review status: no assertion criteria provided. Collection method: clinical testing. Allele origin: germline.
Comment: This variant is classified as likely benign based on ACMG/AMP sequence variant interpretation guidelines (Richards et al. 2015 PMID: 25741868, with internal and published modifications).

NM_001401501.2(MUC16):c.5792G>A (p.Ser1931Asn)

Gene: MUC16 (mucin 16, cell surface associated; minus strand). Cytogenetic location: 19p13.2.
Variant type: single nucleotide variant.
Coding change: c.5792G>A on transcript NM_001401501.2 (MANE Select); coding-DNA position 5792, G replaced by A.
Protein change: p.Ser1931Asn; replaces serine 1931 with asparagine.
Molecular consequence: missense variant.
Genome position (GRCh38, 1-based): chr19:8,975,467, C>T on the plus strand (G>A on the coding strand, the complement: MUC16 is on the minus strand). VCF-style: chr19-8975467-C-T. GRCh37 (hg19) VCF-style: chr19-9086143-C-T.
Other names: c.6218G>A, p.Ser2073Asn (NM_001414686.1); c.5672G>A, p.Ser1891Asn (NM_001414687.1, NM_024690.2); short protein forms S1891N, S1931N, S2073N.
Identifiers: ClinVar variation 3044251 (VCV003044251.2), dbSNP rs138381516, ClinGen allele CA9172586.